The following is an entry in ClinVar:

ClinVar aggregate classification (germline): Uncertain significance (1 of 4 stars; one submission).

Conditions:
Cardiovascular phenotype. Identifiers: MedGen CN230736.

Submission:

Ambry Genetics
Classification: Uncertain significance for Cardiovascular phenotype. Last evaluated: 2026-09-04. Review status: criteria provided, single submitter. Criteria: Ambry Variant Classification Scheme 2023. Collection method: clinical testing. Allele origin: germline.
Comment: The p.S287P variant (also known as c.859T>C), located in coding exon 2 of the RBM20 gene, results from a T to C substitution at nucleotide position 859. The serine at codon 287 is replaced by proline, an amino acid with similar properties. This amino acid position is conserved. In addition, this alteration is predicted to be tolerated by in silico analysis. Based on the available evidence, the clinical significance of this variant remains unclear.

NM_001134363.3(RBM20):c.859T>C (p.Ser287Pro)

Gene: RBM20 (RNA binding motif protein 20; plus strand). Cytogenetic location: 10q25.2.
Variant type: single nucleotide variant.
Coding change: c.859T>C on transcript NM_001134363.3 (MANE Select); coding-DNA position 859, T replaced by C.
Protein change: p.Ser287Pro; replaces serine 287 with proline.
Molecular consequence: missense variant.
Genome position (GRCh38, 1-based): chr10:110,781,468, T>C. VCF-style: chr10-110781468-T-C. GRCh37 (hg19) VCF-style: chr10-112541226-T-C.
Other names: short protein forms S287P.
Identifiers: ClinVar variation 5028024 (VCV005028024.1).
Genomic context (GRCh38, chr10:110,781,468, plus strand): 5'-TACAGCCACACAGGGCAGGATGGTCAAGCTGCCTTTTCCAAAGATTTTTACGGACCCAAC[T>C]CCCAAGGTTCACATGTGGCCAGCGGATTTCCAGCTGAGCAGGCTGGGGGCCTGAAAAGTG-3'
Protein context (NP_001127835.2, residues 277-297): AFSKDFYGPN[Ser287Pro]QGSHVASGFP